The following is an entry in ClinVar:

ClinVar aggregate classification (germline): Uncertain significance. Review status: criteria provided, multiple submitters, no conflicts (2 of 4 stars). 4 submissions from 4 submitters: Uncertain significance (4). Last evaluated 2025-04-18.

Conditions:
Developmental and epileptic encephalopathy, 11 (DEE11). Also called: Early infantile epileptic encephalopathy 11. Identifiers: Orphanet 1934, MedGen C3150987, MONDO:0013388, OMIM 613721.
Seizures, benign familial infantile, 3 (BFIS3). Also called: CONVULSIONS, BENIGN FAMILIAL INFANTILE, 3; Familial neonatal seizures. Identifiers: Orphanet 140927, Orphanet 306, MedGen C1843140, MONDO:0011904, OMIM 607745.

Allele frequency attached by ClinVar (database versions not stated): gnomAD exomes below 0.00001; TOPMed below 0.00001; gnomAD 0.00001.
gnomAD v4.1: 4 of 1,613,454 alleles (0.00025%); highest among the groups gnomAD compares: East Asian, 0.0022%; no homozygotes.

Submissions (4):

3billion
Classification: Uncertain significance for Developmental and epileptic encephalopathy, 11. Last evaluated: 2025-04-18. Review status: criteria provided, single submitter. Criteria: ACMG Guidelines, 2015. Collection method: clinical testing. Allele origin: germline. Affected: yes.

Labcorp Genetics (formerly Invitae), Labcorp
Classification: Uncertain significance for Seizures, benign familial infantile, 3; Developmental and epileptic encephalopathy, 11. Last evaluated: 2024-10-21. Review status: criteria provided, single submitter. Criteria: Invitae Variant Classification Sherloc (09022015). Collection method: clinical testing. Allele origin: germline.
Comment: This sequence change replaces threonine, which is neutral and polar, with methionine, which is neutral and non-polar, at codon 1145 of the SCN2A protein (p.Thr1145Met). This variant is not present in population databases (gnomAD no frequency). This missense change has been observed in individual(s) with SCN2A-related conditions (PMID: 29655203). ClinVar contains an entry for this variant (Variation ID: 206986). Invitae Evidence Modeling of protein sequence and biophysical properties (such as structural, functional, and spatial information, amino acid conservation, physicochemical variation, residue mobility, and thermodynamic stability) indicates that this missense variant is expected to disrupt SCN2A protein function with a positive predictive value of 95%. In summary, the available evidence is currently insufficient to determine the role of this variant in disease. Therefore, it has been classified as a Variant of Uncertain Significance.

Greenwood Genetic Center Diagnostic Laboratories, Greenwood Genetic Center
Classification: Uncertain significance. Last evaluated: 2022-08-16. Review status: criteria provided, single submitter. Criteria: ACMG Guidelines, 2015. Collection method: clinical testing. Allele origin: germline. Affected: yes.
Comment: PM2, PP2, PP3

GeneDx
Classification: Uncertain significance. Last evaluated: 2021-12-28. Review status: criteria provided, single submitter. Criteria: GeneDx Variant Classification Process June 2021. Collection method: clinical testing. Allele origin: germline. Affected: yes.
Comment: Reported in a cohort of individuals with with epilepsy and neurodevelopmental disorders (Lindy et al., 2018); This substitution is predicted to be within the C-terminal cytoplasmic domain; In silico analysis supports that this missense variant has a deleterious effect on protein structure/function; Not observed at significant frequency in large population cohorts (Lek et al., 2016); Missense variants in this gene are often considered pathogenic (Stenson et al., 2014); This variant is associated with the following publications: (PMID: 29655203)

Literature cited by the submitters: PubMed 29655203 (cited by 3billion and Labcorp Genetics (formerly Invitae), Labcorp).

NM_001040142.2(SCN2A):c.3434C>T (p.Thr1145Met)

Gene: SCN2A (sodium voltage-gated channel alpha subunit 2; plus strand). Cytogenetic location: 2q24.3.
Variant type: single nucleotide variant.
Coding change: c.3434C>T on transcript NM_001040142.2 (MANE Select); coding-DNA position 3434, C replaced by T.
Protein change: p.Thr1145Met; replaces threonine 1145 with methionine.
Molecular consequence: missense variant.
Genome position (GRCh38, 1-based): chr2:165,365,177, C>T. VCF-style: chr2-165365177-C-T. GRCh37 (hg19) VCF-style: chr2-166221687-C-T.
Other names: p.T1145M:ACG>ATG; c.3434C>T, p.Thr1145Met (NM_001040143.2, NM_001371246.1, NM_001371247.1 and 1 more transcripts); short protein forms T1145M.
Identifiers: ClinVar variation 206986 (VCV000206986.11), dbSNP rs796053128, ClinGen allele CA317924.